The following is an entry in ClinVar:

NM_004357.5(CD151):c.433G>A (p.Ala145Thr)

Gene: CD151 (CD151 molecule (Raph blood group); plus strand). Cytogenetic location: 11p15.5.
Variant type: single nucleotide variant.
Coding change: c.433G>A on transcript NM_004357.5 (MANE Select); coding-DNA position 433, G replaced by A.
Protein change: p.Ala145Thr; replaces alanine 145 with threonine.
Molecular consequence: missense variant.
Genome position (GRCh38, 1-based): chr11:837,331, G>A. VCF-style: chr11-837331-G-A. GRCh37 (hg19) VCF-style: chr11-837331-G-A.
Other names: c.433G>A, p.Ala145Thr (NM_001039490.2, NM_139029.2, NM_139030.4); c.433G>A (NM_004357.4); short protein forms A145T.
Identifiers: ClinVar variation 2149834 (VCV002149834.6), dbSNP rs560834839, ClinGen allele CA5792193.

ClinVar aggregate classification (germline): Uncertain significance. Review status: criteria provided, multiple submitters, no conflicts (2 of 4 stars). 3 submissions from 3 submitters: Uncertain significance (3). Last evaluated 2025-10-14.

Conditions:
Inborn genetic diseases. Identifiers: MedGen C0950123, MeSH D030342.
Epidermolysis bullosa simplex 7, with nephropathy and deafness. Also called: Nephropathy with Pretibial Epidermolysis Bullosa and Deafness; Nephrotic syndrome - deafness - pretibial epidermolysis bullosa syndrome. Identifiers: Orphanet 300333, MedGen C1836823, MONDO:0012190, OMIM 609057.
RAPH BLOOD GROUP SYSTEM. Also called: MER2 BLOOD CELL ANTIGEN EXPRESSION. Identifiers: MedGen C1867341, OMIM 179620.

Allele frequency attached by ClinVar (database versions not stated): TOPMed 0.00002; gnomAD 0.00003; 1000 Genomes Project 30x 0.00047; 1000 Genomes Project 0.00060.
gnomAD v4.1: 74 of 1,612,854 alleles (0.0046%); highest among the groups gnomAD compares: South Asian, 0.057%; no homozygotes.

Submissions (3):

Labcorp Genetics (formerly Invitae), Labcorp
Classification: Uncertain significance. Last evaluated: 2025-10-14. Review status: criteria provided, single submitter. Criteria: Invitae Variant Classification Sherloc (09022015). Collection method: clinical testing. Allele origin: germline.
Comment: This sequence change replaces alanine, which is neutral and non-polar, with threonine, which is neutral and polar, at codon 145 of the CD151 protein (p.Ala145Thr). This variant is present in population databases (rs560834839, gnomAD 0.06%), and has an allele count higher than expected for a pathogenic variant. This variant has not been reported in the literature in individuals affected with CD151-related conditions. ClinVar contains an entry for this variant (Variation ID: 2149834). An algorithm developed to predict the effect of missense changes on protein structure and function (PolyPhen-2) suggests that this variant is likely to be disruptive. In summary, the available evidence is currently insufficient to determine the role of this variant in disease. Therefore, it has been classified as a Variant of Uncertain Significance.

Ambry Genetics
Classification: Uncertain significance for Inborn genetic diseases. Last evaluated: 2025-08-28. Review status: criteria provided, single submitter. Criteria: Ambry Variant Classification Scheme 2023. Collection method: clinical testing. Allele origin: germline.

Fulgent Genetics
Classification: Uncertain significance for RAPH BLOOD GROUP SYSTEM; Epidermolysis bullosa simplex 7, with nephropathy and deafness. Last evaluated: 2024-01-08. Review status: criteria provided, single submitter. Criteria: ACMG Guidelines, 2015. Collection method: clinical testing. Allele origin: germline.